The following is an entry in ClinVar:

ClinVar aggregate classification (germline): Uncertain significance (1 of 4 stars; one submission).

Allele frequency attached by ClinVar (database versions not stated): gnomAD exomes below 0.00001.
gnomAD v4.1: 2 of 1,612,294 alleles (0.00012%); highest among the groups gnomAD compares: Non-Finnish European, 0.00017%; no homozygotes.

Submission:

Labcorp Genetics (formerly Invitae), Labcorp
Classification: Uncertain significance. Last evaluated: 2022-11-16. Review status: criteria provided, single submitter. Criteria: Invitae Variant Classification Sherloc (09022015). Collection method: clinical testing. Allele origin: germline.
Comment: Algorithms developed to predict the effect of missense changes on protein structure and function are either unavailable or do not agree on the potential impact of this missense change (SIFT: "Deleterious"; PolyPhen-2: "Possibly Damaging"; Align-GVGD: "Class C0"). In summary, the available evidence is currently insufficient to determine the role of this variant in disease. Therefore, it has been classified as a Variant of Uncertain Significance. This variant has not been reported in the literature in individuals affected with ATP6V1A-related conditions. This variant is not present in population databases (gnomAD no frequency). This sequence change replaces glutamic acid, which is acidic and polar, with glutamine, which is neutral and polar, at codon 303 of the ATP6V1A protein (p.Glu303Gln).

NM_001690.4(ATP6V1A):c.907G>C (p.Glu303Gln)

Gene: ATP6V1A (ATPase H+ transporting V1 subunit A; plus strand). Cytogenetic location: 3q13.31.
Variant type: single nucleotide variant.
Coding change: c.907G>C on transcript NM_001690.4 (MANE Select); coding-DNA position 907, G replaced by C.
Protein change: p.Glu303Gln; replaces glutamic acid 303 with glutamine.
Molecular consequence: missense variant.
Genome position (GRCh38, 1-based): chr3:113,789,759, G>C. VCF-style: chr3-113789759-G-C. GRCh37 (hg19) VCF-style: chr3-113508606-G-C.
Other names: short protein forms E303Q.
Identifiers: ClinVar variation 2989536 (VCV002989536.3), dbSNP rs2549722054, ClinGen allele CA354015545.